The following is an entry in ClinVar:

ClinVar aggregate classification (germline): Benign/Likely benign. Review status: criteria provided, multiple submitters, no conflicts (2 of 4 stars). 7 submissions from 7 submitters: Benign (3); Likely benign (3). 1 of the submissions does not count toward it. Last evaluated 2025-11-17.

Conditions:
Cardiovascular phenotype. Identifiers: MedGen CN230736.
ANK2-related disorder. Also called: ANK2-related condition.
Long QT syndrome (LQTS). Identifiers: MedGen C0023976, MeSH D008133, MONDO:0002442. Disease mechanism: loss of function. Inheritance: Various modes of inheritance.
Cardiac arrhythmia, ankyrin-B-related. Also called: ANKYRIN-B SYNDROME. Identifiers: Orphanet 101016, Orphanet 768, MedGen C1970119, MONDO:0010958, OMIM 600919.

Allele frequency attached by ClinVar (database versions not stated): gnomAD 0.00006 and 0.00009; ESP Exome Variant Server 0.00008; TOPMed 0.00009; 1000 Genomes Project 30x 0.00016; 1000 Genomes Project 0.00020; gnomAD exomes 0.00028; ExAC 0.00030.
gnomAD v4.1: 223 of 1,614,094 alleles (0.014%); highest among the groups gnomAD compares: South Asian, 0.15%; 5 homozygotes.

Submissions (7):

Labcorp Genetics (formerly Invitae), Labcorp
Classification: Benign for Long QT syndrome. Last evaluated: 2025-11-17. Review status: criteria provided, single submitter. Criteria: Invitae Variant Classification Sherloc (09022015). Collection method: clinical testing. Allele origin: germline.

Blueprint Genetics
Classification: Likely benign. Last evaluated: 2024-11-21. Review status: criteria provided, single submitter. Criteria: ACMG Guidelines, 2015. Collection method: clinical testing. Allele origin: germline.

Women's Health and Genetics/Laboratory Corporation of America, LabCorp
Classification: Benign. Last evaluated: 2023-05-28. Review status: criteria provided, single submitter. Criteria: LabCorp Variant Classification Summary - May 2015. Collection method: clinical testing. Allele origin: germline.

Genome-Nilou Lab
Classification: Benign for Cardiac arrhythmia, ankyrin-B-related. Last evaluated: 2021-12-05. Review status: criteria provided, single submitter. Criteria: ACMG Guidelines, 2015. Collection method: clinical testing. Allele origin: germline. Affected: no.

GeneDx
Classification: Likely benign. Last evaluated: 2020-03-26. Review status: criteria provided, single submitter. Criteria: GeneDx Variant Classification Process June 2021. Collection method: clinical testing. Allele origin: germline. Affected: yes.

Ambry Genetics
Classification: Likely benign for Cardiovascular phenotype. Last evaluated: 2018-05-10. Review status: criteria provided, single submitter. Criteria: Ambry Variant Classification Scheme 2023. Collection method: clinical testing. Allele origin: germline.

PreventionGenetics, part of Exact Sciences
Classification: Likely benign for ANK2-related condition. Last evaluated: 2019-03-19. Review status: no assertion criteria provided. Collection method: clinical testing. Allele origin: germline. Not counted in ClinVar's aggregate classification.
Comment: This variant is classified as likely benign based on ACMG/AMP sequence variant interpretation guidelines (Richards et al. 2015 PMID: 25741868, with internal and published modifications).

NM_001148.6(ANK2):c.8484T>C (p.Asp2828=)

Gene: ANK2 (ankyrin 2; plus strand). Cytogenetic location: 4q26.
Variant type: single nucleotide variant.
Coding change: c.8484T>C on transcript NM_001148.6 (MANE Select); coding-DNA position 8484, T replaced by C.
Protein change: p.Asp2828=; no amino-acid change (aspartic acid 2828 retained).
Molecular consequence: synonymous variant. On other transcripts: intron variant (68).
Genome position (GRCh38, 1-based): chr4:113,357,102, T>C. VCF-style: chr4-113357102-T-C. GRCh37 (hg19) VCF-style: chr4-114278258-T-C.
Other names: c.8250T>C, p.Asp2750= (NM_001386142.1); c.4884T>C, p.Asp1628= (NM_001386166.1); c.8625T>C, p.Asp2875= (NM_001386174.1); c.8601T>C, p.Asp2867= (NM_001386175.1); c.4412-3721T>C (NM_001386186.2, NM_001386148.2); c.4214-3721T>C (NM_001354269.3); c.4292-3721T>C (NM_001386187.2); c.4253-3721T>C (NM_001386147.1); and 35 more.
Identifiers: ClinVar variation 413967 (VCV000413967.21), dbSNP rs371140760, ClinGen allele CA3051778.
Genomic context (GRCh38, chr4:113,357,102, plus strand): 5'-TAAAGAATCATTAGCTCTCCAAGGCACTCATGAAAAAGACACAGAGGGAGAAGAGCTTGA[T>C]GTTTCTAGAGCAGAATCTCCACAAGCAGATTGCCCCAGTGAAAGCTTTTCATCTTCATCC-3'
Protein context (NP_001139.3, residues 2818-2838): HEKDTEGEEL[Asp2828=]VSRAESPQAD